The following is an entry in ClinVar:

NM_001854.4(COL11A1):c.2295+5C>T

Gene: COL11A1 (collagen type XI alpha 1 chain; minus strand). Cytogenetic location: 1p21.1.
Variant type: single nucleotide variant.
Coding change: c.2295+5C>T on transcript NM_001854.4 (MANE Select); 5 bases into the intron after coding-DNA position 2295, C replaced by T.
Molecular consequence: intron variant.
Genome position (GRCh38, 1-based): chr1:102,995,984, G>A on the plus strand (C>T on the coding strand, the complement: COL11A1 is on the minus strand). VCF-style: chr1-102995984-G-A. GRCh37 (hg19) VCF-style: chr1-103461540-G-A.
Other names: c.2178+5C>T (NM_001190709.2); c.2331+5C>T (NM_080629.3); c.1947+5C>T (NM_080630.4).
Identifiers: ClinVar variation 515416 (VCV000515416.11), dbSNP rs369103119, ClinGen allele CA974501.
Genomic context (GRCh38, chr1:102,995,984, plus strand): 5'-GAAGTATTAAGTGAATATAACATTTCACTTTGAAAGTAAATAATGTGAAAACAATTTAAC[G>A]TTACCTTTACTCCCCGGGGGCCCGGGTATCCAATAGGACCTTGTGGACCAGGGGGACCCT-3'

ClinVar aggregate classification (germline): Conflicting classifications of pathogenicity. Review status: criteria provided, conflicting classifications (1 of 4 stars). 4 submissions from 4 submitters: Uncertain significance (1); Likely benign (3). Last evaluated 2025-12-24.

Conditions:
COL11A1-related disorder. Also called: COL11A1-related disorders; COL11A1-related condition.

Allele frequency attached by ClinVar (database versions not stated): TOPMed 0.00002; gnomAD 0.00003 and 0.00004; ESP Exome Variant Server 0.00008; gnomAD exomes 0.00001 and 0.00002; ExAC 0.00002.
gnomAD v4.1: 25 of 1,613,104 alleles (0.0015%); highest among the groups gnomAD compares: African/African-American, 0.008%; no homozygotes.

Submissions (4):

Labcorp Genetics (formerly Invitae), Labcorp
Classification: Uncertain significance. Last evaluated: 2025-12-24. Review status: criteria provided, single submitter. Criteria: Invitae Variant Classification Sherloc (09022015). Collection method: clinical testing. Allele origin: germline.
Comment: This sequence change falls in intron 27 of the COL11A1 gene. It does not directly change the encoded amino acid sequence of the COL11A1 protein. It affects a nucleotide within the consensus splice site. This variant is present in population databases (rs369103119, gnomAD 0.006%). This variant has not been reported in the literature in individuals affected with COL11A1-related conditions. ClinVar contains an entry for this variant (Variation ID: 515416). Variants that disrupt the consensus splice site are a relatively common cause of aberrant splicing (PMID: 17576681, 9536098). Algorithms developed to predict the effect of sequence changes on RNA splicing suggest that this variant is not likely to affect RNA splicing. In summary, the available evidence is currently insufficient to determine the role of this variant in disease. Therefore, it has been classified as a Variant of Uncertain Significance.

PreventionGenetics, part of Exact Sciences
Classification: Likely benign for COL11A1-related condition. Last evaluated: 2025-05-28. Review status: criteria provided, single submitter. Criteria: ACMG Guidelines, 2015. Collection method: clinical testing. Allele origin: germline.
Comment: This variant is classified as likely benign based on ACMG/AMP sequence variant interpretation guidelines (Richards et al. 2015 PMID: 25741868, with internal and published modifications).

Blueprint Genetics
Classification: Likely benign. Last evaluated: 2024-02-12. Review status: criteria provided, single submitter. Criteria: ACMG Guidelines, 2015. Collection method: clinical testing. Allele origin: germline.

GeneDx
Classification: Likely benign. Last evaluated: 2021-03-10. Review status: criteria provided, single submitter. Criteria: GeneDx Variant Classification Process June 2021. Collection method: clinical testing. Allele origin: germline. Affected: yes.

Literature cited by the submitters: PubMed 17576681 (cited by Labcorp Genetics (formerly Invitae), Labcorp); PubMed 9536098 (cited by Labcorp Genetics (formerly Invitae), Labcorp).